The following is an entry in ClinVar:

ClinVar aggregate classification (germline): Likely pathogenic (1 of 4 stars; one submission).

Conditions:
TWIST1-related disorder.

Submission:

3billion
Classification: Likely pathogenic for TWIST1-related disorder. Last evaluated: 2025-11-24. Review status: criteria provided, single submitter. Criteria: ACMG Guidelines, 2015. Collection method: clinical testing. Allele origin: germline. Affected: yes.
Comment: The variant is not observed in the gnomAD v4.1.0 dataset. Predicted Consequence/Location: The variant is located in a mutational hot spot and/or well-established functional domain in which established pathogenic variants have been reported (PMID: 21876555). In silico tool predictions suggest damaging effect of the variant on gene or gene product [REVEL: 0.99 (>=0.6, sensitivity 0.68 and specificity 0.92); 3Cnet: 0.98 (> 0.75, sensitivity 0.96 and precision 0.92)]. Different missense changes at the same codon (p.Lys145Asn, p.Lys145Glu) have been reported to be associated with TWIST1-related disorder (ClinVar ID: VCV000970861 /PMID: 9259286, 9585583). Therefore, this variant is classified as Likely pathogenic according to the recommendation of ACMG/AMP guideline.

Literature cited by the submitters: PubMed 9259286.

NM_000474.4(TWIST1):c.434A>C (p.Lys145Thr)

Genes: TWIST1 (twist family bHLH transcription factor 1; minus strand), LOC129998021 (ATAC-STARR-seq lymphoblastoid active region 25682; plus strand). Cytogenetic location: 7p21.1.
Variant type: single nucleotide variant.
Coding change: c.434A>C on transcript NM_000474.4 (MANE Select); coding-DNA position 434, A replaced by C.
Protein change: p.Lys145Thr; replaces lysine 145 with threonine.
Molecular consequence: missense variant. On other transcripts: non-coding transcript variant (1).
Genome position (GRCh38, 1-based): chr7:19,116,888, T>G on the plus strand (A>C on the coding strand, the complement: TWIST1 is on the minus strand). VCF-style: chr7-19116888-T-G. GRCh37 (hg19) VCF-style: chr7-19156511-T-G.
Other names: short protein forms K145T.
Identifiers: ClinVar variation 4854177 (VCV004854177.1).
Genomic context (GRCh38, chr7:19,116,888, plus strand): 5'-CTCTGGAGGACCTGGTAGAGGAAGTCGATGTACCTGGCCGCCAGCTTGAGGGTCTGAATC[T>G]TGCTCAGCTTGTCCGAGGGCAGCGTGGGGATGATCTTCCGCAGCGCGGCGAACGCCTCGT-3'
Protein context (NP_000465.1, residues 135-155): IPTLPSDKLS[Lys145Thr]IQTLKLAARY